The following is an entry in ClinVar:

ClinVar aggregate classification (germline): Conflicting classifications of pathogenicity. Review status: criteria provided, conflicting classifications (1 of 4 stars). 3 submissions from 3 submitters: Uncertain significance (2); Benign (1). Last evaluated 2025-09-15.

Conditions:
Hereditary cancer-predisposing syndrome. Also called: Tumor predisposition; Neoplastic Syndromes, Hereditary; Hereditary neoplastic syndrome; Hereditary Cancer Syndrome. Identifiers: Orphanet 140162, MedGen C0027672, MeSH D009386, MONDO:0015356.
Familial adenomatous polyposis 2. Also called: MYH-associated polyposis; FAP type 2; COLORECTAL ADENOMATOUS POLYPOSIS, AUTOSOMAL RECESSIVE; ADENOMAS, MULTIPLE COLORECTAL, AUTOSOMAL RECESSIVE; MUTYH-related attenuated familial adenomatous polyposis; MUTYH Polyposis. Identifiers: Orphanet 220460, Orphanet 247798, MedGen C3272841, MONDO:0012041, OMIM 608456.

Submissions (3):

Ambry Genetics
Classification: Benign for Hereditary cancer-predisposing syndrome. Last evaluated: 2025-09-15. Review status: criteria provided, single submitter. Criteria: Ambry Variant Classification Scheme 2023. Collection method: clinical testing. Allele origin: germline.

Labcorp Genetics (formerly Invitae), Labcorp
Classification: Uncertain significance for Familial adenomatous polyposis 2. Last evaluated: 2024-09-06. Review status: criteria provided, single submitter. Criteria: Invitae Variant Classification Sherloc (09022015). Collection method: clinical testing. Allele origin: germline.
Comment: This sequence change replaces alanine, which is neutral and non-polar, with serine, which is neutral and polar, at codon 30 of the MUTYH protein (p.Ala30Ser). This variant is not present in population databases (gnomAD no frequency). This variant has not been reported in the literature in individuals affected with MUTYH-related conditions. ClinVar contains an entry for this variant (Variation ID: 579598). An algorithm developed to predict the effect of missense changes on protein structure and function outputs the following: PolyPhen-2: "Benign". The serine amino acid residue is found in multiple mammalian species, which suggests that this missense change does not adversely affect protein function. In summary, the available evidence is currently insufficient to determine the role of this variant in disease. Therefore, it has been classified as a Variant of Uncertain Significance.

All of Us Research Program, National Institutes of Health
Classification: Uncertain significance for Familial adenomatous polyposis 2. Last evaluated: 2023-06-26. Review status: criteria provided, single submitter. Criteria: ACMG Guidelines, 2015. Collection method: clinical testing. Allele origin: germline. Inheritance: Autosomal recessive inheritance. Observed: 1 variant allele, 1 heterozygote.
Comment: This missense variant replaces alanine with serine at codon 30 of the MUTYH protein. Computational prediction suggests that this variant may not impact protein structure and function (internally defined REVEL score threshold <= 0.5, PMID: 27666373). To our knowledge, functional studies have not been reported for this variant. This variant has not been reported in individuals affected with hereditary cancer in the literature. This variant has not been identified in the general population by the Genome Aggregation Database (gnomAD). The available evidence is insufficient to determine the role of this variant in disease conclusively. Therefore, this variant is classified as a Variant of Uncertain Significance.

This study involves interpretation of variants in research participants for the purpose of population health screening. Participant phenotype was not available at the time of variant classification. Additional details can be found in publication PMID: 35346344, PMCID: PMC8962531

NM_001048174.2(MUTYH):c.46G>T (p.Ala16Ser)

Gene: MUTYH (mutY DNA glycosylase; minus strand). Cytogenetic location: 1p34.1.
Variant type: single nucleotide variant.
Coding change: c.46G>T on transcript NM_001048174.2 (MANE Select); coding-DNA position 46, G replaced by T.
Protein change: p.Ala16Ser; replaces alanine 16 with serine.
Molecular consequence: missense variant. On other transcripts: 5 prime UTR variant (4), non-coding transcript variant (2).
Genome position (GRCh38, 1-based): chr1:45,334,460, C>A on the plus strand (G>T on the coding strand, the complement: MUTYH is on the minus strand). VCF-style: chr1-45334460-C-A. GRCh37 (hg19) VCF-style: chr1-45800132-C-A.
Other names: c.46G>T, p.Ala16Ser (NM_001048171.2, NM_001048172.2, NM_001048173.2 and 2 more transcripts); c.88G>T, p.Ala30Ser (NM_001128425.2, NM_001293190.2, NM_012222.3); c.-167G>T (NM_001293192.2, NM_001293196.2); c.-226G>T (NM_001350650.2); c.-162G>T (NM_001350651.2); short protein forms A30S, A16S.
Identifiers: ClinVar variation 579598 (VCV000579598.13), dbSNP rs1557492581, ClinGen allele CA340137150.